The following is an entry in ClinVar:

ClinVar aggregate classification (germline): Pathogenic/Likely pathogenic. Review status: criteria provided, multiple submitters, no conflicts (2 of 4 stars). 2 submissions from 2 submitters: Pathogenic (1); Likely pathogenic (1). Last evaluated 2023-04-04.

Conditions:
P3H2-related disorders.

Submissions (2):

Labcorp Genetics (formerly Invitae), Labcorp
Classification: Pathogenic. Last evaluated: 2023-04-04. Review status: criteria provided, single submitter. Criteria: Invitae Variant Classification Sherloc (09022015). Collection method: clinical testing. Allele origin: germline.
Comment: This variant is not present in population databases (gnomAD no frequency). This variant has not been reported in the literature in individuals affected with P3H2-related conditions. ClinVar contains an entry for this variant (Variation ID: 1928251). For these reasons, this variant has been classified as Pathogenic. This sequence change creates a premature translational stop signal (p.Glu139*) in the P3H2 gene. It is expected to result in an absent or disrupted protein product. Loss-of-function variants in P3H2 are known to be pathogenic (PMID: 24172257, 25469533).

Blueprint Genetics
Classification: Likely pathogenic for P3H2-related disorders. Last evaluated: 2022-11-07. Review status: criteria provided, single submitter. Criteria: ACMG Guidelines, 2015. Collection method: clinical testing. Allele origin: germline. Affected: yes. Observed: 1 variant allele.

Literature cited by the submitters: PubMed 24172257 (cited by Labcorp Genetics (formerly Invitae), Labcorp); PubMed 25469533 (cited by Labcorp Genetics (formerly Invitae), Labcorp).

NM_018192.4(P3H2):c.415G>T (p.Glu139Ter)

Gene: P3H2 (prolyl 3-hydroxylase 2; minus strand). Cytogenetic location: 3q28.
Variant type: single nucleotide variant.
Coding change: c.415G>T on transcript NM_018192.4 (MANE Select); coding-DNA position 415, G replaced by T.
Protein change: p.Glu139Ter; replaces glutamic acid 139 with a stop codon.
Molecular consequence: nonsense. On other transcripts: intron variant (1).
Genome position (GRCh38, 1-based): chr3:190,120,317, C>A on the plus strand (G>T on the coding strand, the complement: P3H2 is on the minus strand). VCF-style: chr3-190120317-C-A. GRCh37 (hg19) VCF-style: chr3-189838106-C-A.
Other names: c.-64+1886G>T (NM_001134418.2); short protein forms E139*.
Identifiers: ClinVar variation 1928251 (VCV001928251.6), dbSNP rs2473981746, ClinGen allele CA355859530.